The following is an entry in ClinVar:

NM_000382.3(ALDH3A2):c.1141G>T (p.Gly381Ter)

Gene: ALDH3A2 (aldehyde dehydrogenase 3 family member A2; plus strand). Cytogenetic location: 17p11.2.
Variant type: single nucleotide variant.
Coding change: c.1141G>T on transcript NM_000382.3 (MANE Select); coding-DNA position 1141, G replaced by T.
Protein change: p.Gly381Ter; replaces glycine 381 with a stop codon.
Molecular consequence: nonsense.
Genome position (GRCh38, 1-based): chr17:19,664,981, G>T. VCF-style: chr17-19664981-G-T. GRCh37 (hg19) VCF-style: chr17-19568294-G-T.
Other names: c.1141G>T, p.Gly381Ter (NM_001031806.2, NM_001369136.1, NM_001369137.2 and 3 more transcripts); c.562G>T, p.Gly188Ter (NM_001369148.2); short protein forms G188*, G381*.
Identifiers: ClinVar variation 983976 (VCV000983976.3), dbSNP rs2544393217, ClinGen allele CA398710379.

ClinVar aggregate classification (germline): Likely pathogenic (1 of 4 stars; one submission).

Conditions:
Sjögren-Larsson syndrome (SLS). Also called: FATTY ALCOHOL:NAD+ OXIDOREDUCTASE DEFICIENCY; FATTY ALDEHYDE DEHYDROGENASE DEFICIENCY; ICHTHYOSIS, SPASTIC NEUROLOGIC DISORDER, AND OLIGOPHRENIA; FALDH DEFICIENCY. Identifiers: Orphanet 816, MedGen C0037231, MONDO:0010031, OMIM 270200.

Submission:

Myriad Genetics, Inc.
Classification: Likely pathogenic for Sjögren-Larsson syndrome. Last evaluated: 2019-03-31. Review status: criteria provided, single submitter. Criteria: Myriad Women's Health Autosomal Recessive and X-Linked Classification Criteria (2019). Collection method: clinical testing. Allele origin: unknown.
Comment: NM_000382.2(ALDH3A2):c.1141G>T(G381*) is expected to be pathogenic in the context of Sjogren-Larsson syndrome. This variant is predicted to lead to an abnormal or absent protein product due to the creation of a premature termination codon in ALDH3A2, a gene where loss-of-function variants are known to be pathogenic. Please note: this variant was assessed in the context of healthy population screening.